The following is an entry in ClinVar:

NM_130468.4(CHST14):c.447C>A (p.Phe149Leu)

Gene: CHST14 (carbohydrate sulfotransferase 14; plus strand). Cytogenetic location: 15q15.1.
Variant type: single nucleotide variant.
Coding change: c.447C>A on transcript NM_130468.4 (MANE Select); coding-DNA position 447, C replaced by A.
Protein change: p.Phe149Leu; replaces phenylalanine 149 with leucine.
Molecular consequence: missense variant.
Genome position (GRCh38, 1-based): chr15:40,471,660, C>A. VCF-style: chr15-40471660-C-A. GRCh37 (hg19) VCF-style: chr15-40763859-C-A.
Other names: short protein forms F149L.
Identifiers: ClinVar variation 4613907 (VCV004613907.1).

ClinVar aggregate classification (germline): Uncertain significance (1 of 4 stars; one submission).

Conditions:
Cardiovascular phenotype. Identifiers: MedGen CN230736.

Submission:

Ambry Genetics
Classification: Uncertain significance for Cardiovascular phenotype. Last evaluated: 2025-12-02. Review status: criteria provided, single submitter. Criteria: Ambry Variant Classification Scheme 2023. Collection method: clinical testing. Allele origin: germline.
Comment: The p.F149L variant (also known as c.447C>A), located in coding exon 1 of the CHST14 gene, results from a C to A substitution at nucleotide position 447. The phenylalanine at codon 149 is replaced by leucine, an amino acid with highly similar properties. This amino acid position is conserved. In addition, this alteration is predicted to be tolerated by in silico analysis. Based on the available evidence, the clinical significance of this variant remains unclear.